The following is an entry in ClinVar:

ClinVar aggregate classification (germline): Uncertain significance (1 of 4 stars; one submission).

Conditions:
Hereditary cancer-predisposing syndrome. Also called: Hereditary Cancer Syndrome; Hereditary neoplastic syndrome; Neoplastic Syndromes, Hereditary; Tumor predisposition. Identifiers: Orphanet 140162, MedGen C0027672, MeSH D009386, MONDO:0015356.

Allele frequency attached by ClinVar (database versions not stated): TOPMed below 0.00001.

Submission:

Ambry Genetics
Classification: Uncertain significance for Hereditary cancer-predisposing syndrome. Last evaluated: 2025-04-14. Review status: criteria provided, single submitter. Criteria: Ambry Variant Classification Scheme 2023. Collection method: clinical testing. Allele origin: germline.
Comment: The p.Q196R variant (also known as c.587A>G), located in coding exon 4 of the PTCH1 gene, results from an A to G substitution at nucleotide position 587. The glutamine at codon 196 is replaced by arginine, an amino acid with highly similar properties. This amino acid position is well conserved in available vertebrate species. In addition, the in silico prediction for this alteration is inconclusive. Based on the available evidence, the clinical significance of this variant remains unclear.

NM_000264.5(PTCH1):c.587A>G (p.Gln196Arg)

Gene: PTCH1 (patched 1; minus strand). Cytogenetic location: 9q22.32.
Variant type: single nucleotide variant.
Coding change: c.587A>G on transcript NM_000264.5 (MANE Select); coding-DNA position 587, A replaced by G.
Protein change: p.Gln196Arg; replaces glutamine 196 with arginine.
Molecular consequence: missense variant. On other transcripts: non-coding transcript variant (1).
Genome position (GRCh38, 1-based): chr9:95,482,201, T>C on the plus strand (A>G on the coding strand, the complement: PTCH1 is on the minus strand). VCF-style: chr9-95482201-T-C. GRCh37 (hg19) VCF-style: chr9-98244483-T-C.
Other names: c.389A>G, p.Gln130Arg (NM_001083602.3, NM_001354919.2); c.584A>G, p.Gln195Arg (NM_001083603.3); c.134A>G, p.Gln45Arg (NM_001083604.3, NM_001083605.3, NM_001083606.3 and 1 more transcripts); c.587A>G, p.Gln196Arg (NM_001354918.2); short protein forms Q130R, Q45R, Q195R, Q196R.
Identifiers: ClinVar variation 1750238 (VCV001750238.3), dbSNP rs1318370560, ClinGen allele CA374115164.